The following is an entry in ClinVar:

ClinVar aggregate classification (germline): Uncertain significance. Review status: criteria provided, multiple submitters, no conflicts (2 of 4 stars). 2 submissions from 2 submitters: Uncertain significance (2). Last evaluated 2025-11-17.

Conditions:
Charcot-Marie-Tooth disease type 4A. Also called: Charcot-Marie-Tooth disease, demyelinating, autosomal recessive, type 4a. Identifiers: Orphanet 99948, MedGen C1859198, MONDO:0008961, OMIM 214400.

Submissions (2):

Labcorp Genetics (formerly Invitae), Labcorp
Classification: Uncertain significance for Charcot-Marie-Tooth disease type 4A. Last evaluated: 2025-11-17. Review status: criteria provided, single submitter. Criteria: Invitae Variant Classification Sherloc (09022015). Collection method: clinical testing. Allele origin: germline.
Comment: This sequence change replaces serine, which is neutral and polar, with proline, which is neutral and non-polar, at codon 130 of the GDAP1 protein (p.Ser130Pro). This variant is not present in population databases (gnomAD no frequency). This variant has not been reported in the literature in individuals affected with GDAP1-related conditions. Invitae Evidence Modeling of protein sequence and biophysical properties (such as structural, functional, and spatial information, amino acid conservation, physicochemical variation, residue mobility, and thermodynamic stability) indicates that this missense variant is not expected to disrupt GDAP1 protein function with a negative predictive value of 80%. In summary, the available evidence is currently insufficient to determine the role of this variant in disease. Therefore, it has been classified as a Variant of Uncertain Significance.

Blueprint Genetics
Classification: Uncertain significance. Last evaluated: 2021-12-27. Review status: criteria provided, single submitter. Criteria: ACMG Guidelines, 2015. Collection method: clinical testing. Allele origin: germline.

NM_018972.4(GDAP1):c.388T>C (p.Ser130Pro)

Gene: GDAP1 (ganglioside induced differentiation associated protein 1; plus strand). Cytogenetic location: 8q21.11.
Variant type: single nucleotide variant.
Coding change: c.388T>C on transcript NM_018972.4 (MANE Select); coding-DNA position 388, T replaced by C.
Protein change: p.Ser130Pro; replaces serine 130 with proline.
Molecular consequence: missense variant. On other transcripts: intron variant (1).
Genome position (GRCh38, 1-based): chr8:74,360,214, T>C. VCF-style: chr8-74360214-T-C. GRCh37 (hg19) VCF-style: chr8-75272449-T-C.
Other names: c.184T>C, p.Ser62Pro (NM_001040875.4); c.61T>C, p.Ser21Pro (NM_001362929.2, NM_001362932.2); c.388T>C, p.Ser130Pro (NM_001362931.2); c.311-1670T>C (NM_001362930.2); short protein forms S21P, S62P, S130P.
Identifiers: ClinVar variation 4772827 (VCV004772827.2).